The following continues an entry in ClinVar:

NM_007294.4(BRCA1):c.2566T>C (p.Tyr856His)

Gene: BRCA1. ClinVar aggregate classification (germline): Benign. Benign (1).

Submissions 18 to 34 of 34:

Baylor Genetics
Classification: Benign for Familial cancer of breast. Last evaluated: 2017-02-23. Review status: criteria provided, single submitter. Criteria: ACMG Guidelines, 2015. Collection method: clinical testing. Allele origin: germline. Inheritance: Autosomal dominant inheritance. Affected: no. Not counted in ClinVar's aggregate classification.

Molecular Genetics Laboratory, University of Michigan
Classification: Benign for Breast-ovarian cancer, familial, susceptibility to, 1. Last evaluated: 2016-04-21. Review status: criteria provided, single submitter. Criteria: ACMG Guidelines, 2015. Collection method: clinical testing. Allele origin: germline. Affected: yes. Not counted in ClinVar's aggregate classification.

CHEO Genetics Diagnostic Laboratory, Children's Hospital of Eastern Ontario
Classification: Benign for Breast and/or ovarian cancer. Last evaluated: 2016-03-03. Review status: criteria provided, single submitter. Criteria: ACMG Guidelines, 2015. Collection method: clinical testing. Allele origin: germline. Study: Canadian Open Genetics Repository. Not counted in ClinVar's aggregate classification.

Department of Pathology and Laboratory Medicine, Sinai Health System
Classification: Benign for Familial cancer of breast; Breast-ovarian cancer, familial, susceptibility to, 1; Fanconi anemia, complementation group S. Last evaluated: 2016-02-19. Review status: criteria provided, single submitter. Criteria: ACMG Guidelines, 2015. Collection method: clinical testing. Allele origin: germline. Affected: yes. Not counted in ClinVar's aggregate classification.

Clinical Genetics DNA and cytogenetics Diagnostics Lab, Erasmus MC, Erasmus Medical Center
Classification: Benign for Breast-ovarian cancer, familial, susceptibility to, 1. Last evaluated: 2015-09-21. Review status: criteria provided, single submitter. Criteria: ACGS Guidelines, 2013. Collection method: clinical testing. Allele origin: germline. Affected: yes. Study: VKGL Data-share Consensus. Not counted in ClinVar's aggregate classification.

Color Diagnostics, LLC DBA Color Health
Classification: Benign for Hereditary cancer-predisposing syndrome. Last evaluated: 2015-03-31. Review status: criteria provided, single submitter. Criteria: ACMG Guidelines, 2015. Collection method: clinical testing. Allele origin: germline. Not counted in ClinVar's aggregate classification.

Ambry Genetics
Classification: Benign for Hereditary cancer-predisposing syndrome. Last evaluated: 2014-11-18. Review status: criteria provided, single submitter. Criteria: Ambry Variant Classification Scheme 2023. Collection method: clinical testing. Allele origin: germline. Not counted in ClinVar's aggregate classification.

GeneDx
Classification: Benign. Last evaluated: 2014-02-10. Review status: criteria provided, single submitter. Criteria: GeneDx Variant Classification (06012015). Collection method: clinical testing. Allele origin: germline. Affected: yes. Not counted in ClinVar's aggregate classification.
Comment: This variant is considered likely benign or benign based on one or more of the following criteria: it is a conservative change, it occurs at a poorly conserved position in the protein, it is predicted to be benign by multiple in silico algorithms, and/or has population frequency not consistent with disease.

Breakthrough Genomics
Classification: Benign. Review status: criteria provided, single submitter. Criteria: ACMG Guidelines, 2015. Collection method: not provided. Allele origin: germline. Inheritance: Autosomal recessive inheritance. Affected: yes. Not counted in ClinVar's aggregate classification.

Counsyl
Classification: Benign for Breast-ovarian cancer, familial 1. Last evaluated: 2014-07-04. Review status: no assertion criteria provided. Collection method: literature only. Allele origin: unknown. Inheritance: Autosomal dominant inheritance. Not counted in ClinVar's aggregate classification.

CSER _CC_NCGL, University of Washington
Classification: Likely benign for Breast cancer. Last evaluated: 2014-06-01. Review status: no assertion criteria provided. Collection method: research. Allele origin: germline. Inheritance: Autosomal dominant inheritance. Study: ESP 6500 variant annotation. Not counted in ClinVar's aggregate classification.
Comment: Variants classified for the Actionable exomic incidental findings in 6503 participants: challenges of variant classification manuscript

Sharing Clinical Reports Project (SCRP)
Classification: Benign for Breast-ovarian cancer, familial 1. Last evaluated: 2011-02-25. Review status: no assertion criteria provided. Collection method: clinical testing. Allele origin: germline. Not counted in ClinVar's aggregate classification.

Breast Cancer Information Core (BIC) (BRCA1)
Classification: Uncertain significance for Breast-ovarian cancer, familial 1. Last evaluated: 2006-07-19. Review status: no assertion criteria provided. Collection method: clinical testing. Allele origin: germline, somatic, unknown. Affected: yes. Observed: 18 variant alleles. Not counted in ClinVar's aggregate classification.

Center for Precision Medicine, Meizhou People's Hospital
Classification: Likely benign for Familial cancer of breast. Review status: no assertion criteria provided. Collection method: curation. Allele origin: germline. Affected: yes. Not counted in ClinVar's aggregate classification.

Clinical Genetics Laboratory, Department of Pathology, Netherlands Cancer Institute
Classification: Benign. Review status: no assertion criteria provided. Collection method: clinical testing. Allele origin: germline. Affected: yes. Study: VKGL Data-share Consensus. Not counted in ClinVar's aggregate classification.

Department of Pathology and Laboratory Medicine, Sinai Health System
Classification: Benign for Malignant tumor of breast. Review status: no assertion criteria provided. Collection method: clinical testing. Allele origin: unknown. Affected: yes. Study: The Canadian Open Genetics Repository (COGR). Not counted in ClinVar's aggregate classification.
Comment: The BRCA1 p.Tyr856His variant was identified in 21 of 4034 proband chromosomes (frequency: 0.0.005) from Korean, Malaysian and Japanese individuals or families with breast cancer, and was not identified in 718 control chromosomes from healthy individuals (Han S-H 2006, Thirthagiri 2008, Toh 2008, Mitsuru Emi 1998). In a functional complementation assay using BRCA1-deficient mouse embryonic stem cells, the variant was found to be neutral (Bouwman 2013). Promkan et al (2013), showed that BRCA1 (Tyr856His)-transfected mutant cells interfered with the function of wildtype BRCA1 by increased cellular proliferation, which may have implications for chemotherapeutic treatment. Multiple in silico prediction and evolutionary models show that the variant is neutral (Abkevich 2004, Burk-Herrick 2005, Lindor 2012, Spearman 2008, Tavtigian 2006) The variant was identified in dbSNP (ID: rs80356892) â€šÃ„ÃºWith Likely benign alleleâ€šÃ„Ã¹, Clinvitae database (classification benign/likely benign), Fanconi Anemia Mutation Database (LOVD), LOVD-IARC database, ARUP Laboratories BRCA Mutations Database (classification not pathogenic), the ClinVar database (classification benign, reviewed by an expert panel, submitters: ENIGMA, Ambry Genetics, Counsyl, Invitae, Gene Dx, Sharing Clinical Report Project (SCRP) (derived from Myriad reports), classification likely benign by CSER, and uncertain significance by BIC), GeneInsight COGR database (unclassified, â€šÃ„Ãºby a clinical laboratory(ies)â€šÃ„Ã¹), the BIC database (18X with unknown clinical importance, pending classification), and UMD (6X with a â€šÃ„Ãºneutralâ€šÃ„Ã¹ classification). The variant was also identified in 1000 Genomes Project in 15 of 5000 chromosomes (frequency: 0.003), HAPMAP-EAS in 14 of 1008 chromosomes (frequency: 0.0139), HAPMAP-AMR in 1 of 694 chromosomes (frequency: 0.0014), NHLBI GO Exome Sequencing Project (ESP) in 1 of 4406 African American alleles (frequency: 0.0002), and the the Exome Aggregation Consortium (ExAC) database (released Jan 13, 2015) in 184 of 121322 chromosomes (frequency: 0.0015) (or 180 individuals (3 homozygous) from a population of East Asian individuals, 3 South Asian and 1 Latino individual. In addition, this variant is classified as a polymorphism by Myriad (personal communication). The p.Tyr856 residue is not conserved in mammals and lower organisms, and the variant amino acid His is present in African clawed frog, increasing the likelihood that this variant does not have clinical significance. Four out of five computational analyses (PolyPhen-2, SIFT, AlignGVGD, BLOSUM, MutationTaster) do not suggest a high likelihood of impact to the protein; however, this information is not predictive enough to rule out pathogenicity. In summary, based on the above information, this variant meets our laboratory's criteria to be classified as benign.

Joint Genome Diagnostic Labs from Nijmegen and Maastricht, Radboudumc and MUMC+
Classification: Benign. Review status: no assertion criteria provided. Collection method: clinical testing. Allele origin: germline. Affected: yes. Study: VKGL Data-share Consensus. Not counted in ClinVar's aggregate classification.

Literature cited by the submitters: PubMed 21990134 (cited by 3 submitters); DOI 10.3389/fgene.2022.834265 (cited by National Health Laboratory Service, Universitas Academic Hospital and University of the Free State); PubMed 18627636 (cited by Department of Pathology and Laboratory Medicine, Sinai Health System); PubMed 9510469 (cited by Department of Pathology and Laboratory Medicine, Sinai Health System and Counsyl); PubMed 18431501 (cited by Department of Pathology and Laboratory Medicine, Sinai Health System); PubMed 15235020 (cited by Department of Pathology and Laboratory Medicine, Sinai Health System and Counsyl); PubMed 23867111 (cited by Department of Pathology and Laboratory Medicine, Sinai Health System and Counsyl); PubMed 16518693 (cited by Department of Pathology and Laboratory Medicine, Sinai Health System and Counsyl); PubMed 17100994 (cited by Department of Pathology and Laboratory Medicine, Sinai Health System); PubMed 23393598 (cited by Department of Pathology and Laboratory Medicine, Sinai Health System); PubMed 18824701 (cited by Department of Pathology and Laboratory Medicine, Sinai Health System and Counsyl); PubMed 16014699 (cited by Department of Pathology and Laboratory Medicine, Sinai Health System and Counsyl); PubMed 21702907 (cited by Counsyl); PubMed 24082139 (cited by Counsyl); PubMed 15365993 (cited by Counsyl); PubMed 21520273 (cited by Counsyl).